The following is an entry in ClinVar:

NM_001363118.2(SLC52A2):c.432A>C (p.Leu144Phe)

Gene: SLC52A2 (solute carrier family 52 member 2; plus strand). Cytogenetic location: 8q24.3.
Variant type: single nucleotide variant.
Coding change: c.432A>C on transcript NM_001363118.2 (MANE Select); coding-DNA position 432, A replaced by C.
Protein change: p.Leu144Phe; replaces leucine 144 with phenylalanine.
Molecular consequence: missense variant. On other transcripts: non-coding transcript variant (1), intron variant (1).
Genome position (GRCh38, 1-based): chr8:144,359,924, A>C. VCF-style: chr8-144359924-A-C. GRCh37 (hg19) VCF-style: chr8-145583584-A-C.
Other names: c.432A>C, p.Leu144Phe (NM_001253815.2, NM_001253816.2, NM_001363120.2 and 2 more transcripts); c.131-191A>C (NM_001363122.2); short protein forms L144F.
Identifiers: ClinVar variation 1403767 (VCV001403767.5), dbSNP rs2130640798, ClinGen allele CA372627150.

ClinVar aggregate classification (germline): Uncertain significance (1 of 4 stars; one submission).

Conditions:
Brown-Vialetto-van Laere syndrome 2. Also called: SPINOCEREBELLAR ATAXIA WITH BLINDNESS AND DEAFNESS 2; Riboflavin transporter deficiency type 2. Identifiers: Orphanet 572543, Orphanet 97229, MedGen C3553538, MONDO:0013867, OMIM 614707.

Submission:

Labcorp Genetics (formerly Invitae), Labcorp
Classification: Uncertain significance for Brown-Vialetto-van Laere syndrome 2. Last evaluated: 2021-08-31. Review status: criteria provided, single submitter. Criteria: Invitae Variant Classification Sherloc (09022015). Collection method: clinical testing. Allele origin: germline.
Comment: This sequence change replaces leucine with phenylalanine at codon 144 of the SLC52A2 protein (p.Leu144Phe). The leucine residue is highly conserved and there is a small physicochemical difference between leucine and phenylalanine. This variant is not present in population databases (ExAC no frequency). This variant has not been reported in the literature in individuals affected with SLC52A2-related conditions. Algorithms developed to predict the effect of missense changes on protein structure and function are either unavailable or do not agree on the potential impact of this missense change (SIFT: "Deleterious"; PolyPhen-2: "Probably Damaging"; Align-GVGD: "Class C0"). In summary, the available evidence is currently insufficient to determine the role of this variant in disease. Therefore, it has been classified as a Variant of Uncertain Significance.